The following is an entry in ClinVar:

ClinVar aggregate classification (germline): Pathogenic (1 of 4 stars; one submission).

Submission:

Labcorp Genetics (formerly Invitae), Labcorp
Classification: Pathogenic. Last evaluated: 2025-02-17. Review status: criteria provided, single submitter. Criteria: Invitae Variant Classification Sherloc (09022015). Collection method: clinical testing. Allele origin: germline.
Comment: This sequence change creates a premature translational stop signal (p.His121Argfs*34) in the LZTR1 gene. It is expected to result in an absent or disrupted protein product. Loss-of-function variants in LZTR1 are known to be pathogenic (PMID: 24362817, 25335493, 25480913, 25795793, 29469822, 30368668, 30442762, 30442766, 30481304, 30859559). This variant is not present in population databases (gnomAD no frequency). This variant has not been reported in the literature in individuals affected with LZTR1-related conditions. For these reasons, this variant has been classified as Pathogenic.

Literature cited by the submitters: PubMed 24362817; PubMed 25335493; PubMed 25480913; PubMed 25795793; PubMed 29469822; PubMed 30368668; PubMed 30442762; PubMed 30442766; PubMed 30481304; PubMed 30859559.

NM_006767.4(LZTR1):c.334_361dup (p.His121fs)

Gene: LZTR1 (leucine zipper like post translational regulator 1; plus strand). Cytogenetic location: 22q11.21.
Variant type: Duplication.
Coding change: c.334_361dup on transcript NM_006767.4 (MANE Select); coding-DNA positions 334 to 361, 28 bases duplicated (GGGACCCCACCGGCCCCCCGTTACCACC).
Protein change: p.His121fs; shifts the reading frame from histidine 121.
Molecular consequence: frameshift variant.
Genome position (GRCh38, 1-based): chr22:20,987,517-20,987,544, GGGACCCCACCGGCCCCCCGTTACCACC duplicated. VCF-style (leftmost placement, unchanged base first): chr22-20987516-T-TGGGACCCCACCGGCCCCCCGTTACCACC. GRCh37 (hg19) VCF-style: chr22-21341805-T-TGGGACCCCACCGGCCCCCCGTTACCACC.
Other names: short protein forms H121fs.
Identifiers: ClinVar variation 4713264 (VCV004713264.1).